The following is an entry in ClinVar:

NM_024079.5(ALG8):c.438G>A (p.Ser146=)

Gene: ALG8 (ALG8 alpha-1,3-glucosyltransferase; minus strand). Cytogenetic location: 11q14.1.
Variant type: single nucleotide variant.
Coding change: c.438G>A on transcript NM_024079.5 (MANE Select); coding-DNA position 438, G replaced by A.
Protein change: p.Ser146=; no amino-acid change (serine 146 retained).
Molecular consequence: synonymous variant.
Genome position (GRCh38, 1-based): chr11:78,121,105, C>T on the plus strand (G>A on the coding strand, the complement: ALG8 is on the minus strand). VCF-style: chr11-78121105-C-T. GRCh37 (hg19) VCF-style: chr11-77832151-C-T.
Other names: c.438G>A, p.Ser146= (NM_001007027.3, NM_001425221.1, NM_001425222.1 and 13 more transcripts); c.441G>A, p.Ser147= (NM_001425219.1); c.423G>A, p.Ser141= (NM_001425220.1); c.285G>A, p.Ser95= (NM_001425226.1, NM_001425235.1, NM_001425236.1); c.237G>A, p.Ser79= (NM_001425231.1); c.174G>A, p.Ser58= (NM_001425234.1, NM_001425239.1); c.-79G>A (NM_001425241.1); c.-113G>A (NM_001425242.1).
Identifiers: ClinVar variation 2910713 (VCV002910713.3), dbSNP rs534739528, ClinGen allele CA6203485.

ClinVar aggregate classification (germline): Uncertain significance (1 of 4 stars; one submission).

Conditions:
ALG8 congenital disorder of glycosylation. Also called: CDG Ih; CONGENITAL DISORDER OF GLYCOSYLATION, TYPE Ih; ALG8-CDG. Identifiers: Orphanet 79325, MedGen C2931002, MONDO:0011969, OMIM 608104.

Allele frequency attached by ClinVar (database versions not stated): 1000 Genomes Project 30x 0.00047; gnomAD exomes 0.00002; gnomAD 0.00003; TOPMed 0.00003; ExAC 0.00007; 1000 Genomes Project 0.00040.
gnomAD v4.1: 33 of 1,613,822 alleles (0.002%); highest among the groups gnomAD compares: South Asian, 0.019%; no homozygotes.

Submission:

Labcorp Genetics (formerly Invitae), Labcorp
Classification: Uncertain significance for ALG8 congenital disorder of glycosylation. Last evaluated: 2023-03-13. Review status: criteria provided, single submitter. Criteria: Invitae Variant Classification Sherloc (09022015). Collection method: clinical testing. Allele origin: germline.
Comment: In summary, the available evidence is currently insufficient to determine the role of this variant in disease. Therefore, it has been classified as a Variant of Uncertain Significance. Algorithms developed to predict the effect of sequence changes on RNA splicing suggest that this variant may disrupt the consensus splice site. This variant has not been reported in the literature in individuals affected with ALG8-related conditions. This variant is present in population databases (rs534739528, gnomAD 0.03%). This sequence change affects codon 146 of the ALG8 mRNA. It is a 'silent' change, meaning that it does not change the encoded amino acid sequence of the ALG8 protein.